The following is an entry in ClinVar:

NM_016247.4(IMPG2):c.3581T>C (p.Leu1194Pro)

Gene: IMPG2 (interphotoreceptor matrix proteoglycan 2; minus strand). Cytogenetic location: 3q12.3.
Variant type: single nucleotide variant.
Coding change: c.3581T>C on transcript NM_016247.4 (MANE Select); coding-DNA position 3581, T replaced by C.
Protein change: p.Leu1194Pro; replaces leucine 1194 with proline.
Molecular consequence: missense variant.
Genome position (GRCh38, 1-based): chr3:101,229,432, A>G on the plus strand (T>C on the coding strand, the complement: IMPG2 is on the minus strand). VCF-style: chr3-101229432-A-G. GRCh37 (hg19) VCF-style: chr3-100948276-A-G.
Other names: c.3581T>C (NM_016247.3); short protein forms L1194P.
Identifiers: ClinVar variation 1518979 (VCV001518979.7), dbSNP rs776198709, ClinGen allele CA2518719.

ClinVar aggregate classification (germline): Uncertain significance. Review status: criteria provided, multiple submitters, no conflicts (2 of 4 stars). 2 submissions from 2 submitters: Uncertain significance (2). Last evaluated 2025-05-01.

Conditions:
Inborn genetic diseases. Identifiers: MedGen C0950123, MeSH D030342.

Allele frequency attached by ClinVar (database versions not stated): gnomAD exomes 0.00001 and 0.00002; TOPMed below 0.00001; ExAC 0.00001.
gnomAD v4.1: 36 of 1,612,436 alleles (0.0022%); highest among the groups gnomAD compares: Non-Finnish European, 0.0028%; no homozygotes.

Submissions (2):

Ambry Genetics
Classification: Uncertain significance for Inborn genetic diseases. Last evaluated: 2025-05-01. Review status: criteria provided, single submitter. Criteria: Ambry Variant Classification Scheme 2023. Collection method: clinical testing. Allele origin: germline.

Labcorp Genetics (formerly Invitae), Labcorp
Classification: Uncertain significance. Last evaluated: 2020-12-08. Review status: criteria provided, single submitter. Criteria: Invitae Variant Classification Sherloc (09022015). Collection method: clinical testing. Allele origin: germline.
Comment: This variant is present in population databases (rs776198709, ExAC 0.001%). In summary, the available evidence is currently insufficient to determine the role of this variant in disease. Therefore, it has been classified as a Variant of Uncertain Significance. Algorithms developed to predict the effect of missense changes on protein structure and function are either unavailable or do not agree on the potential impact of this missense change (SIFT: "Deleterious"; PolyPhen-2: "Benign"; Align-GVGD: "Class C25"). This variant has not been reported in the literature in individuals with IMPG2-related conditions. This sequence change replaces leucine with proline at codon 1194 of the IMPG2 protein (p.Leu1194Pro). The leucine residue is highly conserved and there is a moderate physicochemical difference between leucine and proline.